The following is an entry in ClinVar:

ClinVar aggregate classification (germline): Pathogenic/Likely pathogenic. Review status: criteria provided, multiple submitters, no conflicts (2 of 4 stars). 8 submissions from 8 submitters: Pathogenic (4); Likely pathogenic (4). Last evaluated 2026-09-01.

Conditions:
Adult hypophosphatasia. Identifiers: Orphanet 247676, Orphanet 436, MedGen C0268413, MONDO:1010154, OMIM 146300, MONDO:0007798.
Childhood hypophosphatasia. Identifiers: Orphanet 247667, Orphanet 436, MedGen C0220743, MONDO:1010168, OMIM 241510, MONDO:0009428.
Infantile hypophosphatasia. Identifiers: Orphanet 247651, Orphanet 436, MedGen C0268412, MONDO:1010169, OMIM 241500, MONDO:0009427.
Hypophosphatasia. Also called: Phosphoethanol-aminuria. Identifiers: Orphanet 436, MedGen C0020630, MeSH D007014, MONDO:0018570.
ALPL-related disorder. Also called: ALPL-related disorders; ALPL-related condition.

Allele frequency attached by ClinVar (database versions not stated): gnomAD exomes below 0.00001 and 0.00001; ExAC 0.00001.
gnomAD v4.1: 2 of 1,611,188 alleles (0.00012%); highest among the groups gnomAD compares: Non-Finnish European, 0.00017%; no homozygotes.

Submissions (8):

Genomenon, Inc
Classification: Pathogenic for Hypophosphatasia. Last evaluated: 2026-09-01. Review status: criteria provided, single submitter. Criteria: Genomenon Sequence Variant Interpretation Standards - Updated. Collection method: curation. Allele origin: germline. Affected: yes.
Comment: ALPL p.Trp153Ter (c.459G>A) is a nonsense variant that introduces a premature stop codon at amino acid position 153 and is predicted to result in a truncated or absent protein product. This variant has been observed in at least one proband affected with an ALPL-related disorder (PMID:40500351). It is absent or not present at a significant frequency in gnomAD. In conclusion, we classify ALPL p.Trp153Ter (c.459G>A) as a pathogenic variant.

PreventionGenetics, part of Exact Sciences
Classification: Pathogenic for ALPL-related condition. Last evaluated: 2025-07-21. Review status: criteria provided, single submitter. Criteria: ACMG Guidelines, 2015. Collection method: clinical testing. Allele origin: germline.
Comment: The ALPL c.459G>A variant is predicted to result in premature protein termination (p.Trp153*). This variant has been reported in an individual with skeletal dysplasia (Table S5, MacCarrick et al. 2024. PubMed ID: 38702915). This variant is reported in 0.0018% of alleles in individuals of European (Non-Finnish) descent in gnomAD. Nonsense variants in ALPL are expected to be pathogenic. This variant is interpreted as pathogenic.

Clinical Genetics and Genomics, Karolinska University Hospital
Classification: Pathogenic for Infantile hypophosphatasia. Last evaluated: 2024-09-10. Review status: criteria provided, single submitter. Criteria: ACMG Guidelines, 2015. Collection method: clinical testing. Allele origin: germline. Affected: yes.
Comment: The variant is classified as pathogenic based upon ACMG critera PVS1, PM2 and PP5.

Fulgent Genetics
Classification: Likely pathogenic for Adult hypophosphatasia; Infantile hypophosphatasia; Childhood hypophosphatasia. Last evaluated: 2024-06-13. Review status: criteria provided, single submitter. Criteria: ACMG Guidelines, 2015. Collection method: clinical testing. Allele origin: germline.

Baylor Genetics
Classification: Likely pathogenic for Adult hypophosphatasia. Last evaluated: 2023-05-10. Review status: criteria provided, single submitter. Criteria: ACMG Guidelines, 2015. Collection method: clinical testing. Allele origin: unknown.

Clinical Genetics Laboratory, Skane University Hospital Lund
Classification: Likely pathogenic. Last evaluated: 2022-07-13. Review status: criteria provided, single submitter. Criteria: ACMG Guidelines, 2015. Collection method: clinical testing. Allele origin: germline. Affected: yes.

Labcorp Genetics (formerly Invitae), Labcorp
Classification: Pathogenic. Last evaluated: 2021-12-02. Review status: criteria provided, single submitter. Criteria: Invitae Variant Classification Sherloc (09022015). Collection method: clinical testing. Allele origin: germline.
Comment: This sequence change creates a premature translational stop signal (p.Trp153*) in the ALPL gene. It is expected to result in an absent or disrupted protein product. Loss-of-function variants in ALPL are known to be pathogenic (PMID: 3174660, 10679946, 19500388). This variant is present in population databases (rs761836226, gnomAD 0.002%). This variant has not been reported in the literature in individuals affected with ALPL-related conditions. For these reasons, this variant has been classified as Pathogenic.

Blueprint Genetics
Classification: Likely pathogenic for ALPL-related disorders. Last evaluated: 2021-07-14. Review status: criteria provided, single submitter. Criteria: ACMG Guidelines, 2015. Collection method: clinical testing. Allele origin: germline. Affected: yes. Observed: 1 variant allele.

Literature cited by the submitters: PubMed 40500351 (cited by Genomenon, Inc); PubMed 3174660 (cited by Labcorp Genetics (formerly Invitae), Labcorp); PubMed 10679946 (cited by Labcorp Genetics (formerly Invitae), Labcorp); PubMed 19500388 (cited by Labcorp Genetics (formerly Invitae), Labcorp).

NM_000478.6(ALPL):c.459G>A (p.Trp153Ter)

Gene: ALPL (alkaline phosphatase, biomineralization associated; plus strand). Cytogenetic location: 1p36.12.
Variant type: single nucleotide variant.
Coding change: c.459G>A on transcript NM_000478.6 (MANE Select); coding-DNA position 459, G replaced by A.
Protein change: p.Trp153Ter; replaces tryptophan 153 with a stop codon.
Molecular consequence: nonsense.
Genome position (GRCh38, 1-based): chr1:21,563,271, G>A. VCF-style: chr1-21563271-G-A. GRCh37 (hg19) VCF-style: chr1-21889764-G-A.
Other names: c.294G>A, p.Trp98Ter (NM_001127501.4); c.228G>A, p.Trp76Ter (NM_001177520.3); c.459G>A, p.Trp153Ter (NM_001369803.2, NM_001369804.2, NM_001369805.2); c.459G>A (NM_000478.5); short protein forms W76*, W153*, W98*.
Identifiers: ClinVar variation 1387764 (VCV001387764.13), dbSNP rs761836226, ClinGen allele CA666487.